The following is an entry in ClinVar:

ClinVar aggregate classification (germline): Likely pathogenic (3 of 4 stars; one submission).

Conditions:
RPE65-related recessive retinopathy. Also called: Recessive RPE65 retinopathy. Identifiers: MedGen CN305526, MONDO:0100368.

gnomAD v4.1: 2 of 1,613,674 alleles (0.00012%); highest among the groups gnomAD compares: Non-Finnish European, 0.00017%; no homozygotes.

Submission:

ClinGen Leber Congenital Amaurosis/early Onset Retinal Dystrophy Variant Curation Expert Panel, ClinGen
Classification: Likely pathogenic for RPE65-related recessive retinopathy. Last evaluated: 2026-06-23. Review status: reviewed by expert panel. Criteria: ClinGen LCAeoRD ACMG Specifications RPE65 V1.0.0. Collection method: curation. Allele origin: germline. Inheritance: Autosomal recessive inheritance.
Comment: NM_000329.3(RPE65):c.1464T>A (p.Ser488Arg) is a missense variant causing a substitution of serine with arginine at amino acid 488. This variant is present in gnomAD v.4.1.0 at a GrpMax allele frequency of 0.00000028 with 2 alleles 1,613,674 total alleles in the European (non-Finnish) population, which is lower than the ClinGen LCA / eoRD VCEP PM2_Supporting threshold of <0.0002 (PM2_Supporting). This variant has been reported in at least 2 apparently unrelated probands with early-onset severe retinal dystrophy who were both compound heterozygous with the NM_000329.3(RPE65):c.1398C>A (p.Tyr466Ter) confirmed in trans, which was previously classified pathogenic by the ClinGen LCA / eoRD VCEP (2 total points, PMID: 30025081, PMID: 32347917, PMID: 34492281, PM3_Strong). At least one proband harboring this variant exhibits a phenotype including diagnosis of Leber's congenital amaurosis (0.5 pts) at less than 1 year of age (1 pt), nystagmus (1 pt), retinal pigment epithelial mottling (0.5 pts), decreased central visual acuity (1 pt), and decreased peripheral visual acuity (1 pt), with genetic testing by a 176-gene targeted retinal dystrophy panel that did not identify an alternative explanation for the visual impairment (2 pts), which together are specific for RPE65-related recessive retinopathy (total 6 points, PMID: 34492281, PP4). The computational predictor REVEL gives a score of 0.871, which is above the ClinGen LCA / eoRD VCEP threshold of ≥0.773 and predicts a damaging effect on RPE65 function (PP3_Moderate). The splicing impact predictor SpliceAI gives a score of 0.02 for acceptor gain, which is below the ClinGen LCA / eoRD VCEP recommended threshold of ≥0.2 and does not strongly predict an impact on splicing. In summary, this variant meets the criteria to be classified as Likely Pathogenic for RPE65-related recessive retinopathy based on the ACMG/AMP criteria applied, as specified by the ClinGen LCA / eoRD VCEP: PM2_Supporting, PM3_Strong, PP4, and PP3_Moderate. (VCEP specifications version 1.0.0; date of approval 09/21/2023).

NM_000329.3(RPE65):c.1464T>A (p.Ser488Arg)

Gene: RPE65 (retinoid isomerohydrolase RPE65; minus strand). Cytogenetic location: 1p31.3.
Variant type: single nucleotide variant.
Coding change: c.1464T>A on transcript NM_000329.3 (MANE Select); coding-DNA position 1464, T replaced by A.
Protein change: p.Ser488Arg; replaces serine 488 with arginine.
Molecular consequence: missense variant.
Genome position (GRCh38, 1-based): chr1:68,429,914, A>T on the plus strand (T>A on the coding strand, the complement: RPE65 is on the minus strand). VCF-style: chr1-68429914-A-T. GRCh37 (hg19) VCF-style: chr1-68895597-A-T.
Other names: NM_000329.3:c.1464T>A; c.1356T>A, p.Ser452Arg (NM_001406853.1); c.1188T>A, p.Ser396Arg (NM_001406856.1, NM_001406857.1); short protein forms S396R, S452R, S488R.
Identifiers: ClinVar variation 4856786 (VCV004856786.1).